The following is an entry in ClinVar:

ClinVar aggregate classification (germline): Uncertain significance (1 of 4 stars; one submission).

Conditions:
Hereditary sensory and autonomic neuropathy type 6. Also called: HSAN VI; Neuropathy, hereditary sensory and autonomic, type VI. Identifiers: Orphanet 314381, MedGen C3539003, MONDO:0013839, OMIM 614653.
Epidermolysis bullosa simplex 3, localized or generalized intermediate, with BP230 deficiency (EBS3). Also called: Epidermolysis bullosa simplex due to BP230 deficiency; Epidermolysis bullosa simplex, autosomal recessive 2. Identifiers: Orphanet 412181, MedGen C3809470, MONDO:0014180, OMIM 615425.

Submission:

Labcorp Genetics (formerly Invitae), Labcorp
Classification: Uncertain significance for Epidermolysis bullosa simplex 3, localized or generalized intermediate, with BP230 deficiency; Hereditary sensory and autonomic neuropathy type 6. Last evaluated: 2020-10-29. Review status: criteria provided, single submitter. Criteria: Invitae Variant Classification Sherloc (09022015). Collection method: clinical testing. Allele origin: germline.
Comment: This variant is not present in population databases (ExAC no frequency). In summary, the available evidence is currently insufficient to determine the role of this variant in disease. Therefore, it has been classified as a Variant of Uncertain Significance. Algorithms developed to predict the effect of sequence changes on RNA splicing suggest that this variant may disrupt the consensus splice site, but this prediction has not been confirmed by published transcriptional studies. This variant has not been reported in the literature in individuals with DST-related conditions. This sequence change falls in intron 10 of the DST gene. It does not directly change the encoded amino acid sequence of the DST protein.

NM_001374736.1(DST):c.3187-5C>G

Gene: DST (dystonin; minus strand). Cytogenetic location: 6p12.1.
Variant type: single nucleotide variant.
Coding change: c.3187-5C>G on transcript NM_001374736.1 (MANE Select); 5 bases into the intron before coding-DNA position 3187, C replaced by G.
Molecular consequence: intron variant.
Genome position (GRCh38, 1-based): chr6:56,634,958, G>C on the plus strand (C>G on the coding strand, the complement: DST is on the minus strand). VCF-style: chr6-56634958-G-C. GRCh37 (hg19) VCF-style: chr6-56499756-G-C.
Other names: c.3088-5C>G (NM_001144769.5); c.3187-5C>G (NM_001374722.1); c.3214-5C>G (NM_001374734.1); c.2674-5C>G (NM_001144770.2); c.2554-5C>G (NM_001374730.1, NM_001386100.1, NM_183380.4 and 1 more transcripts); c.1576-5C>G (NM_015548.5, NM_001723.7).
Identifiers: ClinVar variation 1523506 (VCV001523506.8), dbSNP rs2152766134, ClinGen allele CA2573141070.
Genomic context (GRCh38, chr6:56,634,958, plus strand): 5'-TTTCCCATTAGGTTTGCTATAGTGCTTTTGTACTGCAGAAGTTCTTCTTTCTCTTCCTAA[G>C]TAATAAATACAGTGAATTTTAAGAAGTAAAAGACTTGTACTCTCCATGCCTTCAGCACTT-3'